The following is an entry in ClinVar:

NM_004356.4(CD81):c.344A>G (p.Asn115Ser)

Gene: CD81 (CD81 molecule; plus strand). Cytogenetic location: 11p15.5.
Variant type: single nucleotide variant.
Coding change: c.344A>G on transcript NM_004356.4 (MANE Select); coding-DNA position 344, A replaced by G.
Protein change: p.Asn115Ser; replaces asparagine 115 with serine.
Molecular consequence: missense variant.
Genome position (GRCh38, 1-based): chr11:2,395,036, A>G. VCF-style: chr11-2395036-A-G. GRCh37 (hg19) VCF-style: chr11-2416266-A-G.
Other names: c.131A>G, p.Asn44Ser (NM_001297649.2); short protein forms N115S, N44S.
Identifiers: ClinVar variation 1955493 (VCV001955493.8), dbSNP rs780721170, ClinGen allele CA5819957.

ClinVar aggregate classification (germline): Uncertain significance. Review status: criteria provided, multiple submitters, no conflicts (2 of 4 stars). 3 submissions from 3 submitters: Uncertain significance (3). Last evaluated 2025-08-07.

Allele frequency attached by ClinVar (database versions not stated): gnomAD exomes 0.00001; ExAC 0.00001.
gnomAD v4.1: 9 of 1,610,654 alleles (0.00056%); highest among the groups gnomAD compares: South Asian, 0.0022%; no homozygotes.

Submissions (3):

Dasa
Classification: Uncertain significance. Last evaluated: 2025-08-07. Review status: criteria provided, single submitter. Criteria: DASA Assertion Criteria. Collection method: clinical testing. Allele origin: germline.
Comment: NM_004356.4(CD81):c.344A>G (p.Asn115Ser) is a missense variant that results in the substitution of asparagine with serine. This variant is rare in population databases. The currently available literature and clinical evidence are not sufficient to establish a definitive association between this variant and the reported condition. Therefore, this variant is classified as a variant of uncertain significance.

Labcorp Genetics (formerly Invitae), Labcorp
Classification: Uncertain significance. Last evaluated: 2022-09-17. Review status: criteria provided, single submitter. Criteria: Invitae Variant Classification Sherloc (09022015). Collection method: clinical testing. Allele origin: germline.
Comment: In summary, the available evidence is currently insufficient to determine the role of this variant in disease. Therefore, it has been classified as a Variant of Uncertain Significance. Algorithms developed to predict the effect of missense changes on protein structure and function (SIFT, PolyPhen-2, Align-GVGD) all suggest that this variant is likely to be disruptive. This variant has not been reported in the literature in individuals affected with CD81-related conditions. This variant is present in population databases (rs780721170, gnomAD 0.002%). This sequence change replaces asparagine, which is neutral and polar, with serine, which is neutral and polar, at codon 115 of the CD81 protein (p.Asn115Ser).

Blueprint Genetics
Classification: Uncertain significance. Last evaluated: 2020-03-31. Review status: criteria provided, single submitter. Criteria: ACMG Guidelines, 2015. Collection method: clinical testing. Allele origin: germline.